The following is an entry in ClinVar:

ClinVar aggregate classification (germline): Pathogenic. Review status: criteria provided, multiple submitters, no conflicts (2 of 4 stars). 5 submissions from 5 submitters: Pathogenic (4). 1 of the submissions does not count toward it. Last evaluated 2026-10-26.

Conditions:
FOXC1-related disorders.
FOXC1-related disorder. Also called: FOXC1-related condition.
Axenfeld-Rieger syndrome type 3 (RIEG3). Also called: AXENFELD-RIEGER ANOMALY WITH CARDIAC DEFECTS AND/OR SENSORINEURAL HEARING LOSS. Identifiers: Orphanet 782, MedGen C2678503, MONDO:0011233, OMIM 602482.

Submissions (5):

GeneDx
Classification: Pathogenic. Last evaluated: 2026-10-26. Review status: criteria provided, single submitter. Criteria: GeneDx Variant Classification Process June 2021. Collection method: clinical testing. Allele origin: germline.
Comment: Published functional studies demonstrate a a hypermorphic effect of the Q106X variant, along with decreased protein stability and protein mis-localization (PMID: 25786029); Nonsense variant predicted to result in protein truncation, as the last 448 amino acid(s) are lost, and other loss-of-function variants have been reported downstream in HGMD; Not observed at significant frequency in large population cohorts (gnomAD); This variant is associated with the following publications: (PMID: 25786029, 28513611, 32224865, 35354164, 39843441, 20881294, 30514661, 28432732)

PreventionGenetics, part of Exact Sciences
Classification: Pathogenic for FOXC1-related condition. Last evaluated: 2026-03-17. Review status: criteria provided, single submitter. Criteria: ACMG Guidelines, 2015. Collection method: clinical testing. Allele origin: germline.
Comment: The FOXC1 c.316C>T variant is predicted to result in premature protein termination (p.Gln106*). This variant has been reported in individuals with glaucoma or anterior segment dysgenesis (D'haene et al. 2011. PubMed ID: 20881294; Medina-Trillo et al. 2015. PubMed ID: 25786029; Souzeau et al. 2017. PubMed ID: 28513611; Thanikachalam et al. 2020. PubMed ID: 32224865; Table S1, Prem Senthil et al. 2022. PubMed ID: 35354164). This variant is absent in a large population database (gnomAD), indicating this variant is rare. Nonsense variants in FOXC1 are an established mechanism of disease. This variant is interpreted as pathogenic.

Labcorp Genetics (formerly Invitae), Labcorp
Classification: Pathogenic for Axenfeld-Rieger syndrome type 3. Last evaluated: 2024-03-01. Review status: criteria provided, single submitter. Criteria: Invitae Variant Classification Sherloc (09022015). Collection method: clinical testing. Allele origin: germline.
Comment: This sequence change creates a premature translational stop signal (p.Gln106*) in the FOXC1 gene. While this is not anticipated to result in nonsense mediated decay, it is expected to disrupt the last 448 amino acid(s) of the FOXC1 protein. This variant is not present in population databases (gnomAD no frequency). This premature translational stop signal has been observed in individual(s) with Axenfeld-Rieger syndrome (PMID: 20881294, 25786029, 28513611). It has also been observed to segregate with disease in related individuals. ClinVar contains an entry for this variant (Variation ID: 375424). Algorithms developed to predict the effect of variants on protein structure and function are not available or were not evaluated for this variant. Experimental studies have shown that this premature translational stop signal affects FOXC1 function (PMID: 25786029). This variant disrupts a region of the FOXC1 protein in which other variant(s) (p.Ser320Argfs*81, p.Gln120*) have been determined to be pathogenic (PMID: 11782474, 16638984, 18498376, 20881294). This suggests that this is a clinically significant region of the protein, and that variants that disrupt it are likely to be disease-causing. For these reasons, this variant has been classified as Pathogenic.

Blueprint Genetics
Classification: Pathogenic for FOXC1-related disorders. Last evaluated: 2022-11-04. Review status: criteria provided, single submitter. Criteria: ACMG Guidelines, 2015. Collection method: clinical testing. Allele origin: germline. Affected: yes. Observed: 1 variant allele.

Genetics and Molecular Pathology, SA Pathology
Classification: Pathogenic for Axenfeld-Rieger syndrome type 3. Last evaluated: 2014-09-19. Review status: no assertion criteria provided. Collection method: clinical testing. Allele origin: unknown. Inheritance: Autosomal dominant inheritance. Affected: yes. Observed: 4 variant alleles, 4 heterozygotes. Not counted in ClinVar's aggregate classification.
Comment: Non-sense codon introduces premature terminating codon (PTC) effecting functional haploinufficiency; clinical significance consistent with FOXC1 PTC variants found upstream and down stream of this position - each regarded as pathogenic in published literature.

Literature cited by the submitters: PubMed 20881294 (cited by Labcorp Genetics (formerly Invitae), Labcorp); PubMed 25786029 (cited by Labcorp Genetics (formerly Invitae), Labcorp); PubMed 28513611 (cited by Labcorp Genetics (formerly Invitae), Labcorp); PubMed 11782474 (cited by Labcorp Genetics (formerly Invitae), Labcorp); PubMed 16638984 (cited by Labcorp Genetics (formerly Invitae), Labcorp); PubMed 18498376 (cited by Labcorp Genetics (formerly Invitae), Labcorp).

NM_001453.3(FOXC1):c.316C>T (p.Gln106Ter)

Genes: FOXC1 (forkhead box C1; plus strand), LOC129995601 (ATAC-STARR-seq lymphoblastoid active region 23864; plus strand). Cytogenetic location: 6p25.3.
Variant type: single nucleotide variant.
Coding change: c.316C>T on transcript NM_001453.3 (MANE Select); coding-DNA position 316, C replaced by T.
Protein change: p.Gln106Ter; replaces glutamine 106 with a stop codon.
Molecular consequence: nonsense.
Genome position (GRCh38, 1-based): chr6:1,610,761, C>T. VCF-style: chr6-1610761-C-T. GRCh37 (hg19) VCF-style: chr6-1610996-C-T.
Other names: short protein forms Q106*.
Identifiers: ClinVar variation 375424 (VCV000375424.17), dbSNP rs1057519475, ClinGen allele CA16044263.
Genomic context (GRCh38, chr6:1,610,761, plus strand): 5'-CTCATCACCATGGCCATCCAGAACGCCCCGGACAAGAAGATCACCCTGAACGGCATCTAC[C>T]AGTTCATCATGGACCGCTTCCCCTTCTACCGGGACAACAAGCAGGGCTGGCAGAACAGCA-3'